The following is an entry in ClinVar:

NM_001372044.2(SHANK3):c.4365C>T (p.Ser1455=)

Gene: SHANK3 (SH3 and multiple ankyrin repeat domains 3; plus strand). Cytogenetic location: 22q13.33.
Variant type: single nucleotide variant.
Coding change: c.4365C>T on transcript NM_001372044.2 (MANE Select); coding-DNA position 4365, C replaced by T.
Protein change: p.Ser1455=; no amino-acid change (serine 1455 retained).
Molecular consequence: synonymous variant.
Genome position (GRCh38, 1-based): chr22:50,721,973, C>T. VCF-style: chr22-50721973-C-T. GRCh37 (hg19) VCF-style: chr22-51160401-C-T.
Other names: c.4140C>T, p.Ser1380= (NM_033517.1).
Identifiers: ClinVar variation 1701446 (VCV001701446.31), dbSNP rs371175325, ClinGen allele CA10326209.

ClinVar aggregate classification (germline): Likely benign (1 of 4 stars; one submission).

Allele frequency attached by ClinVar (database versions not stated): gnomAD exomes 0.00001; gnomAD 0.00002; TOPMed 0.00002; ExAC 0.00006; ESP Exome Variant Server 0.00016.

Submission:

CeGaT Center for Human Genetics Tuebingen
Classification: Likely benign. Last evaluated: 2022-07-01. Review status: criteria provided, single submitter. Criteria: CeGaT Center For Human Genetics Tuebingen Variant Classification Criteria Version 2. Collection method: clinical testing. Allele origin: germline. Affected: yes. Observed: 1 variant allele.
Comment: SHANK3: BP4